The following is an entry in ClinVar:

NM_001853.4(COL9A3):c.454C>T (p.Pro152Ser)

Gene: COL9A3 (collagen type IX alpha 3 chain; plus strand). Cytogenetic location: 20q13.33.
Variant type: single nucleotide variant.
Coding change: c.454C>T on transcript NM_001853.4 (MANE Select); coding-DNA position 454, C replaced by T.
Protein change: p.Pro152Ser; replaces proline 152 with serine.
Molecular consequence: missense variant.
Genome position (GRCh38, 1-based): chr20:62,822,141, C>T. VCF-style: chr20-62822141-C-T. GRCh37 (hg19) VCF-style: chr20-61453493-C-T.
Other names: short protein forms P152S.
Identifiers: ClinVar variation 2910751 (VCV002910751.3), dbSNP rs749967158, ClinGen allele CA409589346.

ClinVar aggregate classification (germline): Uncertain significance (1 of 4 stars; one submission).

gnomAD v4.1: 5 of 1,585,336 alleles (0.00032%); highest among the groups gnomAD compares: Middle Eastern, 0.017%; no homozygotes.

Submission:

Labcorp Genetics (formerly Invitae), Labcorp
Classification: Uncertain significance. Last evaluated: 2023-03-31. Review status: criteria provided, single submitter. Criteria: Invitae Variant Classification Sherloc (09022015). Collection method: clinical testing. Allele origin: germline.
Comment: In summary, the available evidence is currently insufficient to determine the role of this variant in disease. Therefore, it has been classified as a Variant of Uncertain Significance. Advanced modeling of protein sequence and biophysical properties (such as structural, functional, and spatial information, amino acid conservation, physicochemical variation, residue mobility, and thermodynamic stability) performed at Invitae indicates that this missense variant is not expected to disrupt COL9A3 protein function. This variant has not been reported in the literature in individuals affected with COL9A3-related conditions. This variant is present in population databases (no rsID available, gnomAD 0.003%). This sequence change replaces proline, which is neutral and non-polar, with serine, which is neutral and polar, at codon 152 of the COL9A3 protein (p.Pro152Ser).